The following is an entry in ClinVar:

NM_003705.5(SLC25A12):c.998G>C (p.Gly333Ala)

Gene: SLC25A12 (solute carrier family 25 member 12; minus strand). Cytogenetic location: 2q31.1.
Variant type: single nucleotide variant.
Coding change: c.998G>C on transcript NM_003705.5 (MANE Select); coding-DNA position 998, G replaced by C.
Protein change: p.Gly333Ala; replaces glycine 333 with alanine.
Molecular consequence: missense variant. On other transcripts: non-coding transcript variant (1).
Genome position (GRCh38, 1-based): chr2:171,815,135, C>G on the plus strand (G>C on the coding strand, the complement: SLC25A12 is on the minus strand). VCF-style: chr2-171815135-C-G. GRCh37 (hg19) VCF-style: chr2-172671645-C-G.
Other names: short protein forms G333A.
Identifiers: ClinVar variation 1419141 (VCV001419141.8), dbSNP rs745760344, ClinGen allele CA1966243.

ClinVar aggregate classification (germline): Uncertain significance (1 of 4 stars; one submission).

Allele frequency attached by ClinVar (database versions not stated): gnomAD exomes 0.00001 and 0.00003; ExAC 0.00003.
gnomAD v4.1: 9 of 1,613,606 alleles (0.00056%); highest among the groups gnomAD compares: East Asian, 0.018%; no homozygotes.

Submission:

Labcorp Genetics (formerly Invitae), Labcorp
Classification: Uncertain significance. Last evaluated: 2021-05-01. Review status: criteria provided, single submitter. Criteria: Invitae Variant Classification Sherloc (09022015). Collection method: clinical testing. Allele origin: germline.
Comment: In summary, the available evidence is currently insufficient to determine the role of this variant in disease. Therefore, it has been classified as a Variant of Uncertain Significance. Algorithms developed to predict the effect of missense changes on protein structure and function are either unavailable or do not agree on the potential impact of this missense change (SIFT: "Tolerated"; PolyPhen-2: "Probably Damaging"; Align-GVGD: "Class C0"). This variant has not been reported in the literature in individuals with SLC25A12-related conditions. This variant is present in population databases (rs745760344, ExAC 0.05%). This sequence change replaces glycine with alanine at codon 333 of the SLC25A12 protein (p.Gly333Ala). The glycine residue is highly conserved and there is a small physicochemical difference between glycine and alanine.